The following is an entry in ClinVar:

NM_000245.4(MET):c.528G>A (p.Val176=)

Gene: MET (MET proto-oncogene, receptor tyrosine kinase; plus strand). Cytogenetic location: 7q31.2.
Variant type: single nucleotide variant.
Coding change: c.528G>A on transcript NM_000245.4 (MANE Select); coding-DNA position 528, G replaced by A.
Protein change: p.Val176=; no amino-acid change (valine 176 retained).
Molecular consequence: synonymous variant. On other transcripts: intron variant (1).
Genome position (GRCh38, 1-based): chr7:116,699,612, G>A. VCF-style: chr7-116699612-G-A. GRCh37 (hg19) VCF-style: chr7-116339666-G-A.
Other names: c.528G>A, p.Val176= (NM_001127500.3, NM_001324401.3); c.-91+27035G>A (NM_001324402.2).
Identifiers: ClinVar variation 2904934 (VCV002904934.4), dbSNP rs2485510319, ClinGen allele CA457447743.

ClinVar aggregate classification (germline): Benign/Likely benign. Review status: criteria provided, multiple submitters, no conflicts (2 of 4 stars). 2 submissions from 2 submitters: Benign (1); Likely benign (1). Last evaluated 2024-11-06.

Conditions:
Renal cell carcinoma. Identifiers: Orphanet 217071, MedGen C0007134, MeSH D002292, MONDO:0005086, HP:0005584.
Papillary renal cell carcinoma type 1 (RCCP1). Also called: RENAL CELL CARCINOMA, PAPILLARY, 1, SOMATIC; Renal adenocarcinoma; Renal cell carcinoma 1; Renal cell carcinoma, somatic. Identifiers: Orphanet 47044, MedGen C1336839, OMIM 605074, HP:0011797.

Allele frequency attached by ClinVar (database versions not stated): gnomAD exomes below 0.00001.
gnomAD v4.1: 2 of 1,613,948 alleles (0.00012%); highest among the groups gnomAD compares: Non-Finnish European, 0.00017%; no homozygotes.

Submissions (2):

Myriad Genetics, Inc.
Classification: Benign for Papillary renal cell carcinoma type 1. Last evaluated: 2024-11-06. Review status: criteria provided, single submitter. Criteria: Myriad Autosomal Dominant, Autosomal Recessive and X-Linked Classification Criteria (2023). Collection method: clinical testing. Allele origin: unknown.
Comment: This variant is considered benign. This variant is a silent/synonymous amino acid change and it is not expected to impact splicing.

Labcorp Genetics (formerly Invitae), Labcorp
Classification: Likely benign for Renal cell carcinoma. Last evaluated: 2024-05-06. Review status: criteria provided, single submitter. Criteria: Invitae Variant Classification Sherloc (09022015). Collection method: clinical testing. Allele origin: germline.